The following is an entry in ClinVar:

NM_001080442.3(SLC38A8):c.305A>G (p.Lys102Arg)

Gene: SLC38A8 (solute carrier family 38 member 8; minus strand). Cytogenetic location: 16q23.3.
Variant type: single nucleotide variant.
Coding change: c.305A>G on transcript NM_001080442.3 (MANE Select); coding-DNA position 305, A replaced by G.
Protein change: p.Lys102Arg; replaces lysine 102 with arginine.
Molecular consequence: missense variant.
Genome position (GRCh38, 1-based): chr16:84,036,785, T>C on the plus strand (A>G on the coding strand, the complement: SLC38A8 is on the minus strand). VCF-style: chr16-84036785-T-C. GRCh37 (hg19) VCF-style: chr16-84070390-T-C.
Other names: short protein forms K102R.
Identifiers: ClinVar variation 1907388 (VCV001907388.2), dbSNP rs767167557, ClinGen allele CA8200392.

ClinVar aggregate classification (germline): Uncertain significance (1 of 4 stars; one submission).

Allele frequency attached by ClinVar (database versions not stated): TOPMed 0.00001; gnomAD exomes 0.00002; ExAC 0.00005.

Submission:

Labcorp Genetics (formerly Invitae), Labcorp
Classification: Uncertain significance. Last evaluated: 2022-05-31. Review status: criteria provided, single submitter. Criteria: Invitae Variant Classification Sherloc (09022015). Collection method: clinical testing. Allele origin: germline.
Comment: This sequence change replaces lysine, which is basic and polar, with arginine, which is basic and polar, at codon 102 of the SLC38A8 protein (p.Lys102Arg). This variant is present in population databases (rs767167557, gnomAD 0.02%). This variant has not been reported in the literature in individuals affected with SLC38A8-related conditions. Algorithms developed to predict the effect of missense changes on protein structure and function (SIFT, PolyPhen-2, Align-GVGD) all suggest that this variant is likely to be tolerated. In summary, the available evidence is currently insufficient to determine the role of this variant in disease. Therefore, it has been classified as a Variant of Uncertain Significance.